The following is an entry in ClinVar:

NM_007055.4(POLR3A):c.1289+2T>C

Gene: POLR3A (RNA polymerase III subunit A; minus strand). Cytogenetic location: 10q22.3.
Variant type: single nucleotide variant.
Coding change: c.1289+2T>C on transcript NM_007055.4 (MANE Select); the canonical splice donor site of the intron after coding-DNA position 1289, T replaced by C.
Molecular consequence: splice donor variant.
Genome position (GRCh38, 1-based): chr10:78,019,160, A>G on the plus strand (T>C on the coding strand, the complement: POLR3A is on the minus strand). VCF-style: chr10-78019160-A-G. GRCh37 (hg19) VCF-style: chr10-79778918-A-G.
Identifiers: ClinVar variation 2123639 (VCV002123639.4), dbSNP rs1462421304, ClinGen allele CA377343421.

ClinVar aggregate classification (germline): Likely pathogenic (1 of 4 stars; one submission).

Allele frequency attached by ClinVar (database versions not stated): gnomAD exomes below 0.00001.
gnomAD v4.1: 1 of 1,603,762 alleles (0.000062%); highest among the groups gnomAD compares: Non-Finnish European, 0.000085%; no homozygotes.

Submission:

Labcorp Genetics (formerly Invitae), Labcorp
Classification: Likely pathogenic. Last evaluated: 2022-04-09. Review status: criteria provided, single submitter. Criteria: Invitae Variant Classification Sherloc (09022015). Collection method: clinical testing. Allele origin: germline.
Comment: This sequence change affects a donor splice site in intron 9 of the POLR3A gene. It is expected to disrupt RNA splicing. Variants that disrupt the donor or acceptor splice site typically lead to a loss of protein function (PMID: 16199547), and loss-of-function variants in POLR3A are known to be pathogenic (PMID: 21855841, 25339210, 27612211, 30414627, 30450527). This variant is present in population databases (no rsID available, gnomAD 0.0009%). This variant has not been reported in the literature in individuals affected with POLR3A-related conditions. Algorithms developed to predict the effect of sequence changes on RNA splicing suggest that this variant may disrupt the consensus splice site. In summary, the currently available evidence indicates that the variant is pathogenic, but additional data are needed to prove that conclusively. Therefore, this variant has been classified as Likely Pathogenic.

Literature cited by the submitters: PubMed 16199547; PubMed 21855841; PubMed 25339210; PubMed 27612211; PubMed 30414627; PubMed 30450527.